The following is an entry in ClinVar:

NM_003104.6(SORD):c.776C>T (p.Ala259Val)

Gene: SORD (sorbitol dehydrogenase; plus strand). Cytogenetic location: 15q21.1.
Variant type: single nucleotide variant.
Coding change: c.776C>T on transcript NM_003104.6 (MANE Select); coding-DNA position 776, C replaced by T.
Protein change: p.Ala259Val; replaces alanine 259 with valine.
Molecular consequence: missense variant. On other transcripts: non-coding transcript variant (1).
Genome position (GRCh38, 1-based): chr15:45,069,042, C>T. VCF-style: chr15-45069042-C-T. GRCh37 (hg19) VCF-style: chr15-45361240-C-T.
Other names: A259V.
Identifiers: ClinVar variation 2443690 (VCV002443690.5), dbSNP rs746985755, ClinGen allele CA7537316.
Genomic context (GRCh38, chr15:45,069,042, plus strand): 5'-AGCTGGGGTGCAAGCCGGAAGTCACCATCGAGTGCACGGGGGCAGAGGCCTCCATCCAGG[C>T]GGGCATCTACGTGAGTGGGCTGAGGGCAGCTTTGGGGAATCAGCATAGGGGAGTGAAGGA-3'
Protein context (NP_003095.2, residues 249-269): ECTGAEASIQ[Ala259Val]GIYATRSGGN

ClinVar aggregate classification (germline): Pathogenic/Likely pathogenic. Review status: criteria provided, multiple submitters, no conflicts (2 of 4 stars). 3 submissions from 3 submitters: Pathogenic (1); Likely pathogenic (1). 1 of the submissions does not count toward it. Last evaluated 2025-11-14.

Conditions:
Neuronopathy, distal hereditary motor, autosomal recessive 8. Also called: SORBITOL DEHYDROGENASE DEFICIENCY WITH PERIPHERAL NEUROPATHY; SORBITOL DEHYDROGENASE DEFICIENCY; NEUROPATHY, DISTAL HEREDITARY MOTOR, AUTOSOMAL RECESSIVE 8. Identifiers: Orphanet 700508, MedGen C5394466, MONDO:0030055, OMIM 618912.

Allele frequency attached by ClinVar (database versions not stated): gnomAD exomes 0.00002; ExAC 0.00003; gnomAD 0.00004.
gnomAD v4.1: 31 of 1,609,242 alleles (0.0019%); highest among the groups gnomAD compares: Non-Finnish European, 0.0025%; no homozygotes.

Submissions (3):

Labcorp Genetics (formerly Invitae), Labcorp
Classification: Pathogenic. Last evaluated: 2025-11-14. Review status: criteria provided, single submitter. Criteria: Invitae Variant Classification Sherloc (09022015). Collection method: clinical testing. Allele origin: germline.
Comment: This sequence change replaces alanine, which is neutral and non-polar, with valine, which is neutral and non-polar, at codon 259 of the SORD protein (p.Ala259Val). This variant is present in population databases (rs746985755, gnomAD 0.009%). This missense change has been observed in individual(s) with SORD-related conditions (PMID: 34819907; internal data). In at least one individual the data is consistent with being in trans (on the opposite chromosome) from a pathogenic variant. It has also been observed to segregate with disease in related individuals. ClinVar contains an entry for this variant (Variation ID: 2443690). An algorithm developed to predict the effect of missense changes on protein structure and function (PolyPhen-2) suggests that this variant is likely to be tolerated. Algorithms developed to predict the effect of sequence changes on RNA splicing suggest that this variant may disrupt the consensus splice site. For these reasons, this variant has been classified as Pathogenic.

First Genomix Gene Laboratory, Genetic Diagnostics Department
Classification: Likely pathogenic for Neuronopathy, distal hereditary motor, autosomal recessive 8. Last evaluated: 2025-01-16. Review status: criteria provided, single submitter. Criteria: ACMG Guidelines, 2015. Collection method: clinical testing. Allele origin: germline. Inheritance: Autosomal recessive inheritance. Affected: no. Observed: 1 variant allele.

OMIM
Classification: Pathogenic for NEURONOPATHY, DISTAL HEREDITARY MOTOR, AUTOSOMAL RECESSIVE 8. Last evaluated: 2023-10-17. Review status: no assertion criteria provided. Collection method: literature only. Allele origin: germline. Not counted in ClinVar's aggregate classification.

Literature cited by the submitters: PubMed 34819907 (cited by Labcorp Genetics (formerly Invitae), Labcorp and OMIM).